The following is an entry in ClinVar:

ClinVar aggregate classification (germline): Uncertain significance (1 of 4 stars; one submission).

Conditions:
Phelan-McDermid syndrome. Also called: TELOMERIC 22q13 MONOSOMY SYNDROME; 22q13.3 deletion syndrome; Phelan-McDermid Syndrome-SHANK3 Related. Identifiers: Orphanet 48652, MedGen C1853490, MONDO:0011652, OMIM 606232.

Submission:

MGZ Medical Genetics Center
Classification: Uncertain significance for Phelan-McDermid syndrome. Last evaluated: 2021-08-26. Review status: criteria provided, single submitter. Criteria: ACMG Guidelines, 2015. Collection method: clinical testing. Allele origin: germline. Affected: yes. Observed: 3 variant alleles.
Comment: ACMG criteria applied: PM2_SUP

NM_001372044.2(SHANK3):c.3689C>G (p.Ser1230Cys)

Gene: SHANK3 (SH3 and multiple ankyrin repeat domains 3; plus strand). Cytogenetic location: 22q13.33.
Variant type: single nucleotide variant.
Coding change: c.3689C>G on transcript NM_001372044.2 (MANE Select); coding-DNA position 3689, C replaced by G.
Protein change: p.Ser1230Cys; replaces serine 1230 with cysteine.
Molecular consequence: missense variant.
Genome position (GRCh38, 1-based): chr22:50,721,297, C>G. VCF-style: chr22-50721297-C-G. GRCh37 (hg19) VCF-style: chr22-51159725-C-G.
Other names: c.3464C>G, p.Ser1155Cys (NM_033517.1); short protein forms S1155C, S1230C.
Identifiers: ClinVar variation 1709928 (VCV001709928.2), dbSNP rs1398707250, ClinGen allele CA515261713.